The following is an entry in ClinVar:

NM_001164508.2(NEB):c.16120A>G (p.Ser5374Gly)

Gene: NEB (nebulin; minus strand). Cytogenetic location: 2q23.3.
Variant type: single nucleotide variant.
Coding change: c.16120A>G on transcript NM_001164508.2 (MANE Select); coding-DNA position 16120, A replaced by G.
Protein change: p.Ser5374Gly; replaces serine 5374 with glycine.
Molecular consequence: missense variant. On other transcripts: intron variant (1).
Genome position (GRCh38, 1-based): chr2:151,582,523, T>C on the plus strand (A>G on the coding strand, the complement: NEB is on the minus strand). VCF-style: chr2-151582523-T-C. GRCh37 (hg19) VCF-style: chr2-152439037-T-C.
Other names: c.16120A>G, p.Ser5374Gly (NM_001164507.2, NM_001271208.2); c.11602-6169A>G (NM_004543.5); short protein forms S5374G.
Identifiers: ClinVar variation 3339787 (VCV003339787.1).
Genomic context (GRCh38, chr2:151,582,523, plus strand): 5'-CCTCACTGATCTGTACAGCATTGATCTTTGCCTGGATTACTTCCGGGGTGTCAACAATGC[T>C]GGTGAATTTGAGGGCCTCAGGCTTTATACGATACAGCCTTTCATTCAAGAGATTCTGGGC-3'
Protein context (NP_001157980.2, residues 5364-5384): RIKPEALKFT[Ser5374Gly]IVDTPEVIQA

ClinVar aggregate classification (germline): Uncertain significance (1 of 4 stars; one submission).

Submission:

Women's Health and Genetics/Laboratory Corporation of America, LabCorp
Classification: Uncertain significance. Last evaluated: 2024-06-25. Review status: criteria provided, single submitter. Criteria: LabCorp Variant Classification Summary - May 2015. Collection method: clinical testing. Allele origin: germline.
Comment: Variant summary: NEB c.16120A>G (p.Ser5374Gly) results in a non-conservative amino acid change in the encoded protein sequence and is located in the NEB TRI region (exons 82-89, 90-97, 98-105; PMID: 26197980). Three of four available in-silico tools predict a damaging effect of the variant on protein function. The frequency of this variant in the general population could not be determined as the technology used for large population databases (ExAC, gnomAD, ESP, 1000G) cannot reliably detect variants at this location. The available data on variant occurrences in the general population are insufficient to allow any conclusion about variant significance. To our knowledge, no occurrence of c.16120A>G in individuals affected with Nemaline Myopathy 2 and no experimental evidence demonstrating its impact on protein function have been reported. No submitters have cited clinical-significance assessments for this variant to ClinVar. Based on the evidence outlined above, the variant was classified as uncertain significance.